The following is an entry in ClinVar:

NM_024675.4(PALB2):c.1650del (p.Lys550fs)

Gene: PALB2 (partner and localizer of BRCA2; minus strand). Cytogenetic location: 16p12.2.
Variant type: Deletion.
Coding change: c.1650del on transcript NM_024675.4 (MANE Select); coding-DNA position 1650, one base deleted (A; older notation c.1650delA).
Protein change: p.Lys550fs; shifts the reading frame from lysine 550.
Molecular consequence: frameshift variant.
Genome position (GRCh38, 1-based): chr16:23,634,896, T deleted on the plus strand (A on the coding strand, the reverse complement: PALB2 is on the minus strand); the first of 3 consecutive T bases (chr16:23,634,896-23,634,898); deleting any one gives the same sequence. VCF-style (leftmost placement, unchanged base first): chr16-23634895-AT-A. GRCh37 (hg19) VCF-style: chr16-23646216-AT-A.
Other names: c.1650delA (NM_024675.3); short protein forms K550fs.
Identifiers: ClinVar variation 265558 (VCV000265558.5), dbSNP rs886039624, ClinGen allele CA10588609.
Genomic context (GRCh38, chr16:23,634,895, plus strand): 5'-ATCATCATCAAACACATCTTGATTTACCTTTCACTTGAATAAATAATTTTTCGTGCTGAT[AT>A]TTGTGTGAGGTGACTTCTTCCTTGGACCTGTTAACAATCGACAGGCTAGAAGTTGGCAAA-3'

ClinVar aggregate classification (germline): Pathogenic/Likely pathogenic. Review status: criteria provided, multiple submitters, no conflicts (2 of 4 stars). 2 submissions from 2 submitters: Pathogenic (1); Likely pathogenic (1). Last evaluated 2023-01-15.

Conditions:
Familial cancer of breast. Also called: hereditary breast carcinoma; BREAST CANCER, FAMILIAL; Hereditary breast cancer. Identifiers: Orphanet 227535, MedGen C0346153, MONDO:0016419, OMIM 114480. Disease mechanism: loss of function.

Submissions (2):

Labcorp Genetics (formerly Invitae), Labcorp
Classification: Pathogenic for Familial cancer of breast. Last evaluated: 2023-01-15. Review status: criteria provided, single submitter. Criteria: Invitae Variant Classification Sherloc (09022015). Collection method: clinical testing. Allele origin: germline.
Comment: For these reasons, this variant has been classified as Pathogenic. ClinVar contains an entry for this variant (Variation ID: 265558). This premature translational stop signal has been observed in individual(s) with clinical features of a PALB2-related condition (PMID: 26580448). This variant is not present in population databases (gnomAD no frequency). This sequence change creates a premature translational stop signal (p.Lys550Asnfs*11) in the PALB2 gene. It is expected to result in an absent or disrupted protein product. Loss-of-function variants in PALB2 are known to be pathogenic (PMID: 17200668, 17200671, 17200672, 24136930, 25099575).

GeneDx
Classification: Likely pathogenic. Last evaluated: 2016-03-08. Review status: criteria provided, single submitter. Criteria: GeneDx Variant Classification (06012015). Collection method: clinical testing. Allele origin: germline. Affected: yes.
Comment: This deletion of one nucleotide in PALB2 is denoted c.1650delA at the cDNA level and p.Lys550AsnfsX11 (K550NfsX11) at the protein level. The normal sequence, with the base that is deleted in braces, is ACAA[A]TATC. The deletion causes a frameshift which changes a Lysine to an Asparagine at codon 550, and creates a premature stop codon at position 11 of the new reading frame. Although this variant has not, to our knowledge, been reported in the literature, it is predicted to cause loss of normal protein function through either protein truncation or nonsense-mediated mRNA decay. Based on the currently available information, we consider this deletion to be a likely pathogenic variant.

Literature cited by the submitters: PubMed 26580448 (cited by Labcorp Genetics (formerly Invitae), Labcorp); PubMed 17200668 (cited by Labcorp Genetics (formerly Invitae), Labcorp); PubMed 17200671 (cited by Labcorp Genetics (formerly Invitae), Labcorp); PubMed 17200672 (cited by Labcorp Genetics (formerly Invitae), Labcorp); PubMed 24136930 (cited by Labcorp Genetics (formerly Invitae), Labcorp); PubMed 25099575 (cited by Labcorp Genetics (formerly Invitae), Labcorp).